The following is an entry in ClinVar:

NM_015272.5(RPGRIP1L):c.1168G>C (p.Ala390Pro)

Gene: RPGRIP1L (RPGRIP1 like; minus strand). Cytogenetic location: 16q12.2.
Variant type: single nucleotide variant.
Coding change: c.1168G>C on transcript NM_015272.5 (MANE Select); coding-DNA position 1168, G replaced by C.
Protein change: p.Ala390Pro; replaces alanine 390 with proline.
Molecular consequence: missense variant.
Genome position (GRCh38, 1-based): chr16:53,664,945, C>G on the plus strand (G>C on the coding strand, the complement: RPGRIP1L is on the minus strand). VCF-style: chr16-53664945-C-G. GRCh37 (hg19) VCF-style: chr16-53698857-C-G.
Other names: c.1168G>C, p.Ala390Pro (NM_001127897.4, NM_001308334.3, NM_001330538.2); short protein forms A390P.
Identifiers: ClinVar variation 3357659 (VCV003357659.1).

ClinVar aggregate classification (germline): Uncertain significance (0 of 4 stars; one submission).

Conditions:
RPGRIP1L-related disorder. Also called: RPGRIP1L-related condition; RPGRIP1L-related disorders. Identifiers: MedGen CN239416.

Submission:

PreventionGenetics, part of Exact Sciences
Classification: Uncertain significance for RPGRIP1L-related condition. Last evaluated: 2024-04-03. Review status: no assertion criteria provided. Collection method: clinical testing. Allele origin: germline.
Comment: The RPGRIP1L c.1168G>C variant is predicted to result in the amino acid substitution p.Ala390Pro. To our knowledge, this variant has not been reported in the literature or in a large population database, indicating this variant is rare. At this time, the clinical significance of this variant is uncertain due to the absence of conclusive functional and genetic evidence.